The following is an entry in ClinVar:

ClinVar aggregate classification (germline): Likely pathogenic. Review status: criteria provided, multiple submitters, no conflicts (2 of 4 stars). 2 submissions from 2 submitters: Likely pathogenic (2). Last evaluated 2025-06-09.

Conditions:
Familial adenomatous polyposis 4 (FAP4). Also called: MSH3-related attenuated familial adenomatous polyposis. Identifiers: Orphanet 480536, MedGen C4310719, MONDO:0044300, OMIM 617100.

Submissions (2):

Labcorp Genetics (formerly Invitae), Labcorp
Classification: Likely pathogenic. Last evaluated: 2025-06-09. Review status: criteria provided, single submitter. Criteria: Invitae Variant Classification Sherloc (09022015). Collection method: clinical testing. Allele origin: germline.
Comment: This sequence change affects a donor splice site in intron 10 of the MSH3 gene. RNA analysis indicates that disruption of this splice site induces altered splicing and may result in an absent or altered protein product. This variant is not present in population databases (gnomAD no frequency). This variant has not been reported in the literature in individuals affected with MSH3-related conditions. ClinVar contains an entry for this variant (Variation ID: 645187). Studies have shown that disruption of this splice site results in skipping of exon 10, and produces a non-functional protein and/or introduces a premature termination codon (internal data). In summary, the currently available evidence indicates that the variant is pathogenic, but additional data are needed to prove that conclusively. Therefore, this variant has been classified as Likely Pathogenic.

Myriad Genetics, Inc.
Classification: Likely pathogenic for Familial adenomatous polyposis 4. Last evaluated: 2024-06-28. Review status: criteria provided, single submitter. Criteria: Myriad Autosomal Dominant, Autosomal Recessive and X-Linked Classification Criteria (2023). Collection method: clinical testing. Allele origin: unknown.
Comment: This variant is considered likely pathogenic. This variant occurs within a consensus splice junction and is predicted to result in abnormal mRNA splicing of either an out-of-frame exon or an in-frame exon necessary for protein stability and/or normal function.

NM_002439.5(MSH3):c.1568+1G>A

Gene: MSH3 (mutS homolog 3; plus strand). Cytogenetic location: 5q14.1.
Variant type: single nucleotide variant.
Coding change: c.1568+1G>A on transcript NM_002439.5 (MANE Select); the canonical splice donor site of the intron after coding-DNA position 1568, G replaced by A.
Molecular consequence: splice donor variant.
Genome position (GRCh38, 1-based): chr5:80,728,966, G>A. VCF-style: chr5-80728966-G-A. GRCh37 (hg19) VCF-style: chr5-80024785-G-A.
Identifiers: ClinVar variation 645187 (VCV000645187.8), dbSNP rs1580589463, ClinGen allele CA360274393.
Genomic context (GRCh38, chr5:80,728,966, plus strand): 5'-GGCTGCCATCATAAAATACCTCAAAGAATTCAACTTGGAAAAGATGCTCTCCAAACCTGA[G>A]TAAGTGATTCCTCCAAAATTAAAAAAAGGGGGAGCTTATATTATGAACATTTCTTAAATT-3'